The following is an entry in ClinVar:

ClinVar aggregate classification (germline): Benign/Likely benign. Review status: criteria provided, multiple submitters, no conflicts (2 of 4 stars). 18 submissions from 18 submitters: Benign (10); Likely benign (5). 3 of the submissions do not count toward it. Last evaluated 2026-07-01.

Conditions:
TSC2-related disorder. Also called: TSC2-related condition; TSC2-Related Disorders.
Tuberous sclerosis 2 (TSC2). Identifiers: Orphanet 805, MedGen C1860707, MONDO:0013199, OMIM 613254.
Lymphangiomyomatosis (LAM). Also called: Lymphangioleiomyomatosis; Lymphangioleiomyomatosis, somatic. Identifiers: Orphanet 538, MedGen C0751674, MONDO:0011705, OMIM 606690.
Isolated focal cortical dysplasia type II (FCORD2). Also called: Focal cortical dysplasia type II; CORTICAL DYSPLASIA OF TAYLOR. Identifiers: Orphanet 268994, MedGen C1846385, MONDO:0011818, OMIM 607341, HP:0032051.
Hereditary cancer-predisposing syndrome. Also called: Neoplastic Syndromes, Hereditary; Tumor predisposition; Hereditary Cancer Syndrome; Hereditary neoplastic syndrome. Identifiers: Orphanet 140162, MedGen C0027672, MeSH D009386, MONDO:0015356.
Tuberous sclerosis syndrome (TSC). Also called: Tuberous Sclerosis Complex; Tuberous sclerosis. Identifiers: Orphanet 805, MedGen C0041341, MONDO:0001734.

Allele frequency attached by ClinVar (database versions not stated): gnomAD exomes 0.00017 and 0.00043; gnomAD 0.00025 and 0.00016; TOPMed 0.00031; ExAC 0.00041; 1000 Genomes Project 30x 0.00156; 1000 Genomes Project 0.00160.

Submissions (18):

CeGaT Center for Human Genetics Tuebingen
Classification: Likely benign. Last evaluated: 2026-07-01. Review status: criteria provided, single submitter. Criteria: CeGaT Center For Human Genetics Tuebingen Variant Classification Criteria Version 2. Collection method: clinical testing. Allele origin: germline. Affected: yes. Observed: 3 variant alleles.
Comment: TSC2: BP4, BS1

Myriad Genetics, Inc.
Classification: Benign for Tuberous sclerosis 2. Last evaluated: 2026-03-06. Review status: criteria provided, single submitter. Criteria: Myriad Autosomal Dominant, Autosomal Recessive and X-Linked Classification Criteria (2023). Collection method: clinical testing. Allele origin: unknown.
Comment: This variant is considered benign. This variant has been observed at a population frequency that is significantly greater than expected given the associated disease prevalence and penetrance. Homozygosity has been confirmed in one or more individuals. As homozygosity for pathogenic variants in this gene is generally assumed to result in embryonic lethality, this variant is unlikely to be pathogenic.

Labcorp Genetics (formerly Invitae), Labcorp
Classification: Benign for Tuberous sclerosis 2. Last evaluated: 2026-02-03. Review status: criteria provided, single submitter. Criteria: Invitae Variant Classification Sherloc (09022015). Collection method: clinical testing. Allele origin: germline.

Blueprint Genetics
Classification: Likely benign. Last evaluated: 2024-09-04. Review status: criteria provided, single submitter. Criteria: ACMG Guidelines, 2015. Collection method: clinical testing. Allele origin: germline.

Athena Diagnostics
Classification: Benign. Last evaluated: 2024-07-29. Review status: criteria provided, single submitter. Criteria: Athena Diagnostics Criteria. Collection method: clinical testing. Allele origin: unknown.

KCCC/NGS Laboratory, Kuwait Cancer Control Center
Classification: Benign for Tuberous sclerosis 2. Last evaluated: 2023-07-07. Review status: criteria provided, single submitter. Criteria: ACMG Guidelines, 2015. Collection method: clinical testing. Allele origin: germline. Affected: yes.

Color Diagnostics, LLC DBA Color Health
Classification: Benign for Tuberous sclerosis syndrome. Last evaluated: 2022-10-02. Review status: criteria provided, single submitter. Criteria: ACMG Guidelines, 2015. Collection method: clinical testing. Allele origin: germline.

Fulgent Genetics
Classification: Likely benign for Lymphangiomyomatosis; Isolated focal cortical dysplasia type II; Tuberous sclerosis 2. Last evaluated: 2022-04-26. Review status: criteria provided, single submitter. Criteria: ACMG Guidelines, 2015. Collection method: clinical testing. Allele origin: unknown.

Women's Health and Genetics/Laboratory Corporation of America, LabCorp
Classification: Likely benign. Last evaluated: 2022-02-24. Review status: criteria provided, single submitter. Criteria: LabCorp Variant Classification Summary - May 2015. Collection method: clinical testing. Allele origin: germline.

Genome-Nilou Lab
Classification: Benign for Tuberous sclerosis 2. Last evaluated: 2021-11-07. Review status: criteria provided, single submitter. Criteria: ACMG Guidelines, 2015. Collection method: clinical testing. Allele origin: germline. Affected: no.

Sema4
Classification: Benign for Hereditary cancer-predisposing syndrome. Last evaluated: 2021-02-23. Review status: criteria provided, single submitter. Criteria: Sema4 Curation Guidelines. Collection method: curation. Allele origin: germline.

Ambry Genetics
Classification: Likely benign for Hereditary cancer-predisposing syndrome. Last evaluated: 2018-11-27. Review status: criteria provided, single submitter. Criteria: Ambry Variant Classification Scheme 2023. Collection method: clinical testing. Allele origin: germline.

Illumina Laboratory Services, Illumina
Classification: Benign for Tuberous sclerosis syndrome. Last evaluated: 2018-01-12. Review status: criteria provided, single submitter. Criteria: ICSL Variant Classification Criteria 13 December 2019. Collection method: clinical testing. Allele origin: germline.
Comment: This variant was observed in the ICSL laboratory as part of a predisposition screen in an ostensibly healthy population. It had not been previously curated by ICSL or reported in the Human Gene Mutation Database (HGMD: prior to June 1st, 2018), and was therefore a candidate for classification through an automated scoring system. Utilizing variant allele frequency, disease prevalence and penetrance estimates, and inheritance mode, an automated score was calculated to assess if this variant is too frequent to cause the disease. Based on the score and internal cut-off values, a variant classified as benign is not then subjected to further curation. The score for this variant resulted in a classification of benign for this disease.

GeneDx
Classification: Benign. Last evaluated: 2017-06-14. Review status: criteria provided, single submitter. Criteria: GeneDx Variant Classification (06012015). Collection method: clinical testing. Allele origin: germline. Affected: yes.
Comment: This variant is considered likely benign or benign based on one or more of the following criteria: it is a conservative change, it occurs at a poorly conserved position in the protein, it is predicted to be benign by multiple in silico algorithms, and/or has population frequency not consistent with disease.

Quest Diagnostics Nichols Institute San Juan Capistrano
Classification: Benign. Last evaluated: 2016-02-10. Review status: criteria provided, single submitter. Criteria: Quest Diagnostics criteria. Collection method: clinical testing. Allele origin: unknown.

PreventionGenetics, part of Exact Sciences
Classification: Benign for TSC2-related condition. Last evaluated: 2019-02-26. Review status: no assertion criteria provided. Collection method: clinical testing. Allele origin: germline. Not counted in ClinVar's aggregate classification.
Comment: This variant is classified as benign based on ACMG/AMP sequence variant interpretation guidelines (Richards et al. 2015 PMID: 25741868, with internal and published modifications).

ITMI
No classification provided. Condition: AllHighlyPenetrant. Last evaluated: 2013-09-19. Review status: no classification provided. Collection method: reference population. Allele origin: germline. Not counted in ClinVar's aggregate classification.
Comment: Please see associated publication for description of ethnicities

Tuberous sclerosis database (TSC2)
No classification provided. Condition: TSC. Review status: no classification provided. Criteria: Tuberous Sclerosis Database Assertion Criteria 2015. Collection method: curation. Allele origin: germline. Affected: yes. Not counted in ClinVar's aggregate classification.

Literature cited by the submitters: PubMed 29933521 (cited by Athena Diagnostics and Quest Diagnostics Nichols Institute San Juan Capistrano); PubMed 16981987 (cited by Athena Diagnostics and Quest Diagnostics Nichols Institute San Juan Capistrano); PubMed 21309039 (cited by Athena Diagnostics and Quest Diagnostics Nichols Institute San Juan Capistrano); PubMed 24728327 (cited by ITMI).

NM_000548.5(TSC2):c.3475C>T (p.Arg1159Trp)

Gene: TSC2 (TSC complex subunit 2; plus strand). Cytogenetic location: 16p13.3.
Variant type: single nucleotide variant.
Coding change: c.3475C>T on transcript NM_000548.5 (MANE Select); coding-DNA position 3475, C replaced by T.
Protein change: p.Arg1159Trp; replaces arginine 1159 with tryptophan.
Molecular consequence: missense variant.
Genome position (GRCh38, 1-based): chr16:2,080,242, C>T. VCF-style: chr16-2080242-C-T. GRCh37 (hg19) VCF-style: chr16-2130243-C-T.
Other names: p.R1159W:CGG>TGG; c.3475C>T (NM_000548.4); c.3343C>T, p.Arg1115Trp (NM_001077183.3, NM_001370404.1); c.3475C>T, p.Arg1159Trp (NM_001114382.3); c.3235C>T, p.Arg1079Trp (NM_001318827.2); c.3199C>T, p.Arg1067Trp (NM_001318829.2); c.2743C>T, p.Arg915Trp (NM_001318831.2); c.3376C>T, p.Arg1126Trp (NM_001318832.2); and 1 more; short protein forms R1159W, R1079W, R915W, R1126W, R1067W, R1115W, R1116W.
Identifiers: ClinVar variation 49754 (VCV000049754.56), dbSNP rs45517295, ClinGen allele CA019192.